The following is an entry in ClinVar:

ClinVar aggregate classification (germline): Uncertain significance (1 of 4 stars; one submission).

Conditions:
Neurodevelopmental disorder with or without hyperkinetic movements and seizures, autosomal dominant. Also called: Intellectual disability, autosomal dominant 8. Identifiers: MedGen C3280282, MONDO:0013655, OMIM 614254.

Allele frequency attached by ClinVar (database versions not stated): gnomAD exomes below 0.00001; ExAC 0.00001.
gnomAD v4.1: 3 of 1,613,366 alleles (0.00019%); highest among the groups gnomAD compares: Non-Finnish European, 0.00017%; no homozygotes.

Submission:

Labcorp Genetics (formerly Invitae), Labcorp
Classification: Uncertain significance for Neurodevelopmental disorder with or without hyperkinetic movements and seizures, autosomal dominant. Last evaluated: 2022-09-21. Review status: criteria provided, single submitter. Criteria: Invitae Variant Classification Sherloc (09022015). Collection method: clinical testing. Allele origin: germline.
Comment: In summary, the available evidence is currently insufficient to determine the role of this variant in disease. Therefore, it has been classified as a Variant of Uncertain Significance. Algorithms developed to predict the effect of sequence changes on RNA splicing suggest that this variant may create or strengthen a splice site. Advanced modeling of protein sequence and biophysical properties (such as structural, functional, and spatial information, amino acid conservation, physicochemical variation, residue mobility, and thermodynamic stability) has been performed at Invitae for this missense variant, however the output from this modeling did not meet the statistical confidence thresholds required to predict the impact of this variant on GRIN1 protein function. This variant has not been reported in the literature in individuals affected with GRIN1-related conditions. This variant is present in population databases (rs762454399, gnomAD 0.0009%). This sequence change replaces arginine, which is basic and polar, with glutamine, which is neutral and polar, at codon 839 of the GRIN1 protein (p.Arg839Gln).

NM_007327.4(GRIN1):c.2516G>A (p.Arg839Gln)

Gene: GRIN1 (glutamate ionotropic receptor NMDA type subunit 1; plus strand). Cytogenetic location: 9q34.3.
Variant type: single nucleotide variant.
Coding change: c.2516G>A on transcript NM_007327.4 (MANE Select); coding-DNA position 2516, G replaced by A.
Protein change: p.Arg839Gln; replaces arginine 839 with glutamine.
Molecular consequence: missense variant.
Genome position (GRCh38, 1-based): chr9:137,163,831, G>A. VCF-style: chr9-137163831-G-A. GRCh37 (hg19) VCF-style: chr9-140058283-G-A.
Other names: c.2516G>A, p.Arg839Gln (NM_000832.7, NM_021569.4); c.2579G>A, p.Arg860Gln (NM_001185090.2, NM_001185091.2); short protein forms R839Q, R860Q.
Identifiers: ClinVar variation 1006279 (VCV001006279.9), dbSNP rs762454399, ClinGen allele CA5361157.